The following is an entry in ClinVar:

ClinVar aggregate classification (germline): Likely benign. Review status: criteria provided, single submitter (1 of 4 stars). 2 submissions from 2 submitters: Likely benign (1). 1 of the submissions does not count toward it. Last evaluated 2022-11-01.

Conditions:
Short stature. Identifiers: MedGen C0349588, HP:0004322.

Allele frequency attached by ClinVar (database versions not stated): ExAC 0.00035; ESP Exome Variant Server 0.00038; gnomAD 0.00040 and 0.00044; TOPMed 0.00045.
gnomAD v4.1: 408 of 1,206,073 alleles (0.034%); highest among the groups gnomAD compares: Non-Finnish European, 0.041%; no homozygotes.

Submissions (2):

CeGaT Center for Human Genetics Tuebingen
Classification: Likely benign. Last evaluated: 2022-11-01. Review status: criteria provided, single submitter. Criteria: CeGaT Center For Human Genetics Tuebingen Variant Classification Criteria Version 2. Collection method: clinical testing. Allele origin: germline. Affected: yes. Observed: 1 variant allele.
Comment: MXRA5: BP4, BS2

Institute of Human Genetics, FAU Erlangen, Friedrich-Alexander-Universität Erlangen-Nürnberg
Classification: Uncertain significance for Short stature. Last evaluated: 2001-11-18. Review status: no assertion criteria provided. Collection method: case-control. Allele origin: unknown. Affected: yes. Not counted in ClinVar's aggregate classification.

NM_015419.4(MXRA5):c.1783G>A (p.Val595Met)

Gene: MXRA5 (matrix remodeling associated 5; minus strand). Cytogenetic location: Xp22.33.
Variant type: single nucleotide variant.
Coding change: c.1783G>A on transcript NM_015419.4 (MANE Select); coding-DNA position 1783, G replaced by A.
Protein change: p.Val595Met; replaces valine 595 with methionine.
Molecular consequence: missense variant.
Genome position (GRCh38, 1-based): chrX:3,323,902, C>T on the plus strand (G>A on the coding strand, the complement: MXRA5 is on the minus strand). VCF-style: chrX-3323902-C-T. GRCh37 (hg19) VCF-style: chrX-3241943-C-T.
Other names: short protein forms V595M.
Identifiers: ClinVar variation 599600 (VCV000599600.25), dbSNP rs144346765, ClinGen allele CA10340283.
Genomic context (GRCh38, chrX:3,323,902, plus strand): 5'-TTGGAAGAATCCAGCTAAGGTGGGCTTCGGGTATTGCTAAAGCATTGCAAGGCAATGTCA[C>T]CGACTCCCCTGGGTTCTTGCCAATTGTCACTGTGTCTTTCTCGGCTGGCTGAGTGGAGGG-3'
Protein context (NP_056234.2, residues 585-605): VTIGKNPGES[Val595Met]TLPCNALAIP